The following is an entry in ClinVar:

NC_000005.10:g.(?_132557315)_(132557463_?)del

Gene: RAD50 (RAD50 double strand break repair protein; plus strand). Cytogenetic location: 5q31.1.
Variant type: Deletion.
Identifiers: ClinVar variation 831066 (VCV000831066.1).

ClinVar aggregate classification (germline): Pathogenic (1 of 4 stars; one submission).

Conditions:
Hereditary cancer-predisposing syndrome. Also called: Hereditary neoplastic syndrome; Neoplastic Syndromes, Hereditary; Tumor predisposition; Hereditary Cancer Syndrome. Identifiers: Orphanet 140162, MedGen C0027672, MeSH D009386, MONDO:0015356.

Submission:

Labcorp Genetics (formerly Invitae), Labcorp
Classification: Pathogenic for Hereditary cancer-predisposing syndrome. Last evaluated: 2019-07-18. Review status: criteria provided, single submitter. Criteria: Invitae Variant Classification Sherloc (09022015). Collection method: clinical testing. Allele origin: germline.
Comment: This variant is a gross deletion of the genomic region encompassing exon 1 of the RAD50 gene, which includes the initiator codon. The 5' end of this event is unknown as it extends beyond the assayed region for this gene and therefore may encompass additional genes. The 3' boundary is likely confined to intron 1 of the RAD50 gene. This is expected to result in an absent or disrupted protein product. This variant has not been reported in the literature in individuals with RAD50-related conditions. Loss-of-function variants in RAD50 are known to be pathogenic (PMID: 16385572, 19409520). For these reasons, this variant has been classified as Pathogenic.